The following is an entry in ClinVar:

ClinVar aggregate classification (germline): Likely benign. Review status: criteria provided, multiple submitters, no conflicts (2 of 4 stars). 2 submissions from 2 submitters: Likely benign (2). Last evaluated 2026-08-12.

Conditions:
BBS7-related disorder. Also called: BBS7-related condition.
Bardet-Biedl syndrome (BBS). Identifiers: Orphanet 110, MedGen C0752166, MONDO:0015229.

Allele frequency attached by ClinVar (database versions not stated): gnomAD 0.00001.

Submissions (2):

PreventionGenetics, part of Exact Sciences
Classification: Likely benign for BBS7-related condition. Last evaluated: 2026-08-12. Review status: criteria provided, single submitter. Criteria: ACMG Guidelines, 2015. Collection method: clinical testing. Allele origin: germline.
Comment: This variant is classified as likely benign based on ACMG/AMP sequence variant interpretation guidelines (Richards et al. 2015 PMID: 25741868, with internal and published modifications).

Labcorp Genetics (formerly Invitae), Labcorp
Classification: Likely benign for Bardet-Biedl syndrome. Last evaluated: 2024-01-03. Review status: criteria provided, single submitter. Criteria: Invitae Variant Classification Sherloc (09022015). Collection method: clinical testing. Allele origin: germline.

NM_176824.3(BBS7):c.1011G>A (p.Glu337=)

Gene: BBS7 (Bardet-Biedl syndrome 7; minus strand). Cytogenetic location: 4q27.
Variant type: single nucleotide variant.
Coding change: c.1011G>A on transcript NM_176824.3 (MANE Select); coding-DNA position 1011, G replaced by A.
Protein change: p.Glu337=; no amino-acid change (glutamic acid 337 retained).
Molecular consequence: synonymous variant.
Genome position (GRCh38, 1-based): chr4:121,847,430, C>T on the plus strand (G>A on the coding strand, the complement: BBS7 is on the minus strand). VCF-style: chr4-121847430-C-T. GRCh37 (hg19) VCF-style: chr4-122768585-C-T.
Other names: c.1011G>A (NM_176824.2); c.1011G>A, p.Glu337= (NM_018190.4).
Identifiers: ClinVar variation 1083316 (VCV001083316.8), dbSNP rs1726068187, ClinGen allele CA440922254.
Genomic context (GRCh38, chr4:121,847,430, plus strand): 5'-TTTTTAAAAAAGCAAATAAAAAACTCAAAGTTACCGTAAGGAAGAAATTTTATTCTGCAT[C>T]TCCTGATTAATTTTTAGTTCTTCTCCTGGTCCACTTTCCTTATGAATGGGCTCTGTTGTC-3'
Protein context (NP_789794.1, residues 327-347): GPGEELKINQ[Glu337=]MQNKISSLRN